The following is an entry in ClinVar:

NM_002382.5(MAX):c.172-6196A>G

Gene: MAX (MYC associated transcriptional regulator X; minus strand). Cytogenetic location: 14q23.3.
Variant type: single nucleotide variant.
Coding change: c.172-6196A>G on transcript NM_002382.5 (MANE Select); 6196 bases into the intron before coding-DNA position 172, A replaced by G.
Molecular consequence: intron variant. On other transcripts: missense variant (3), 3 prime UTR variant (1), non-coding transcript variant (4).
Genome position (GRCh38, 1-based): chr14:65,084,232, T>C on the plus strand (A>G on the coding strand, the complement: MAX is on the minus strand). VCF-style: chr14-65084232-T-C. GRCh37 (hg19) VCF-style: chr14-65550950-T-C.
Other names: c.212A>G, p.His71Arg (NM_001271068.2, NM_001407113.1); c.*13A>G (NM_001407114.1); c.239A>G, p.His80Arg (NM_145114.3); c.144+9476A>G (NM_001271069.2); c.171+9476A>G (NM_197957.4); c.-196-6196A>G (NM_001407112.1, NM_001407111.1); c.-103-6196A>G (NM_001407106.1, NM_001407107.1, NM_001320415.2 and 1 more transcripts); c.145-6196A>G (NM_001407095.1, NM_001407110.1, NM_001407102.1 and 6 more transcripts); and 2 more; short protein forms H80R, H71R.
Identifiers: ClinVar variation 5023980 (VCV005023980.1).

ClinVar aggregate classification (germline): Uncertain significance (1 of 4 stars; one submission).

Conditions:
Hereditary cancer-predisposing syndrome. Also called: Neoplastic Syndromes, Hereditary; Tumor predisposition; Hereditary neoplastic syndrome; Hereditary Cancer Syndrome. Identifiers: Orphanet 140162, MedGen C0027672, MeSH D009386, MONDO:0015356.

Submission:

Ambry Genetics
Classification: Uncertain significance for Hereditary cancer-predisposing syndrome. Last evaluated: 2026-07-07. Review status: criteria provided, single submitter. Criteria: Ambry Variant Classification Scheme 2023. Collection method: clinical testing. Allele origin: germline.
Comment: The p.H80R variant (also known as c.239A>G), located in coding exon 4 of the MAX gene, results from an A to G substitution at nucleotide position 239. The histidine at codon 80 is replaced by arginine, an amino acid with highly similar properties. This amino acid position is conserved. In addition, this alteration is predicted to be tolerated by in silico analysis. Based on the available evidence, the clinical significance of this variant remains unclear.